The following is an entry in ClinVar:

NM_153717.3(EVC):c.157C>T (p.Gln53Ter)

Gene: EVC (EvC ciliary complex subunit 1; plus strand). Cytogenetic location: 4p16.2.
Variant type: single nucleotide variant.
Coding change: c.157C>T on transcript NM_153717.3 (MANE Select); coding-DNA position 157, C replaced by T.
Protein change: p.Gln53Ter; replaces glutamine 53 with a stop codon.
Molecular consequence: nonsense.
Genome position (GRCh38, 1-based): chr4:5,711,537, C>T. VCF-style: chr4-5711537-C-T. GRCh37 (hg19) VCF-style: chr4-5713264-C-T.
Other names: c.157C>T, p.Gln53Ter (NM_001306090.2, NM_001306092.2); short protein forms Q53*.
Identifiers: ClinVar variation 2094780 (VCV002094780.4), dbSNP rs2474198889, ClinGen allele CA356156711.

ClinVar aggregate classification (germline): Pathogenic (1 of 4 stars; one submission).

Conditions:
Ellis-van Creveld syndrome (EVC). Also called: EVC-Related Ellis-van Creveld Syndrome; EVC2-Related Ellis-van Creveld Syndrome; Chondroectodermal dysplasia; MESOECTODERMAL DYSPLASIA. Identifiers: Orphanet 289, MedGen C0013903, MONDO:0009162, OMIM 225500.
Curry-Hall syndrome (WAD). Also called: WEYERS ACRODENTAL DYSOSTOSIS. Identifiers: Orphanet 952, MedGen C0457013, MONDO:0008673, OMIM 193530.

Submission:

Labcorp Genetics (formerly Invitae), Labcorp
Classification: Pathogenic for Curry-Hall syndrome; Ellis-van Creveld syndrome. Last evaluated: 2023-10-23. Review status: criteria provided, single submitter. Criteria: Invitae Variant Classification Sherloc (09022015). Collection method: clinical testing. Allele origin: germline.
Comment: This sequence change creates a premature translational stop signal (p.Gln53*) in the EVC gene. It is expected to result in an absent or disrupted protein product. Loss-of-function variants in EVC are known to be pathogenic (PMID: 23220543). This variant is not present in population databases (gnomAD no frequency). This variant has not been reported in the literature in individuals affected with EVC-related conditions. ClinVar contains an entry for this variant (Variation ID: 2094780). For these reasons, this variant has been classified as Pathogenic.

Literature cited by the submitters: PubMed 23220543.